The following is an entry in ClinVar:

ClinVar aggregate classification (germline): Uncertain significance. Review status: criteria provided, multiple submitters, no conflicts (2 of 4 stars). 5 submissions from 5 submitters: Uncertain significance (5). Last evaluated 2025-07-09.

Conditions:
Loeys-Dietz syndrome 2 (LDS2). Also called: Marfan syndrome, type 2 (formerly); TGFBR2-Related Loeys-Dietz Syndrome; AORTIC ANEURYSM, FAMILIAL THORACIC 3; MARFAN SYNDROME, TYPE II; Marfan Syndrome type 2; Marfan like connective tissue disorder. Identifiers: Orphanet 284973, Orphanet 558, MedGen C2674574, MONDO:0012427, OMIM 610168.
Familial thoracic aortic aneurysm and aortic dissection (TAAD). Also called: Thoracic aortic aneurysms and dissections. Identifiers: Orphanet 91387, MedGen C4707243, MONDO:0019625.

Allele frequency attached by ClinVar (database versions not stated): TOPMed below 0.00001; ExAC 0.00001; gnomAD 0.00001; gnomAD exomes 0.00001.

Submissions (5):

Color Diagnostics, LLC DBA Color Health
Classification: Uncertain significance for Familial thoracic aortic aneurysm and aortic dissection. Last evaluated: 2025-07-09. Review status: criteria provided, single submitter. Criteria: ACMG Guidelines, 2015. Collection method: clinical testing. Allele origin: germline.
Comment: This missense variant replaces glycine with serine at codon 561 of the TGFBR2 protein. Computational prediction suggests that this variant may not impact protein structure and function. To our knowledge, functional studies have not been reported for this variant. This variant has not been reported in individuals affected with TGFBR2-related disorders in the literature. This variant has been identified in 3/251174 chromosomes in the general population by the Genome Aggregation Database (gnomAD). The available evidence is insufficient to determine the role of this variant in disease conclusively. Therefore, this variant is classified as a Variant of Uncertain Significance.

Labcorp Genetics (formerly Invitae), Labcorp
Classification: Uncertain significance for Familial thoracic aortic aneurysm and aortic dissection. Last evaluated: 2024-03-07. Review status: criteria provided, single submitter. Criteria: Invitae Variant Classification Sherloc (09022015). Collection method: clinical testing. Allele origin: germline.
Comment: This sequence change replaces glycine, which is neutral and non-polar, with serine, which is neutral and polar, at codon 561 of the TGFBR2 protein (p.Gly561Ser). This variant is present in population databases (rs768103695, gnomAD 0.003%). This variant has not been reported in the literature in individuals affected with TGFBR2-related conditions. ClinVar contains an entry for this variant (Variation ID: 1310951). Advanced modeling of protein sequence and biophysical properties (such as structural, functional, and spatial information, amino acid conservation, physicochemical variation, residue mobility, and thermodynamic stability) performed at Invitae indicates that this missense variant is not expected to disrupt TGFBR2 protein function with a negative predictive value of 95%. In summary, the available evidence is currently insufficient to determine the role of this variant in disease. Therefore, it has been classified as a Variant of Uncertain Significance.

Ambry Genetics
Classification: Uncertain significance for Familial thoracic aortic aneurysm and aortic dissection. Last evaluated: 2021-09-07. Review status: criteria provided, single submitter. Criteria: Ambry Variant Classification Scheme 2023. Collection method: clinical testing. Allele origin: germline.
Comment: The p.G561S variant (also known as c.1681G>A), located in coding exon 7 of the TGFBR2 gene, results from a G to A substitution at nucleotide position 1681. The glycine at codon 561 is replaced by serine, an amino acid with similar properties. This amino acid position is not well conserved in available vertebrate species. In addition, this alteration is predicted to be tolerated by in silico analysis. Since supporting evidence is limited at this time, the clinical significance of this alteration remains unclear.

Victorian Clinical Genetics Services, Murdoch Childrens Research Institute
Classification: Uncertain significance for Loeys-Dietz syndrome 2. Last evaluated: 2020-05-25. Review status: criteria provided, single submitter. Criteria: ACMG Guidelines, 2015. Collection method: clinical testing. Allele origin: germline. Inheritance: Autosomal dominant inheritance. Affected: yes.
Comment: Based on the classification scheme VCGS_Germline_v1.1.1, this variant is classified as VUS – 3C. Following criteria are met: 0103 - Both loss- and gain-of-function are known mechanisms of disease for this gene. Loss of function has been demonstrated by missense and NMD-predicted variants (PMID: 28679693, PMID: 22772368). A single 5- UTR variant was shown to have gain of function ability (PMID: 16799921). (N) 0107 - This gene is known to be associated with autosomal dominant disease. (N) 0200 - Variant is predicted to result in a missense amino acid change from glycine to serine (exon 7). (N) 0251 - Variant is heterozygous. (N) 0302 - Variant is present in gnomAD <0.001 for a dominant condition (3 heterozygotes, 0 homozygotes). (P) 0504 - Same amino acid change has been observed in mammals. (B) 0604 - Variant is not located in an established domain, motif, hotspot or informative constraint region. (N) 0705 - No comparable variants have previous evidence for pathogenicity. (N) 0807 - Variant has not previously been reported in a clinical context. (N) 0905 - No segregation evidence has been identified for this variant. (N) 1007 - No published functional evidence has been identified for this variant. (N) Legend: (P) - Pathogenic, (N) - Neutral, (B) - Benign

GeneDx
Classification: Uncertain significance. Last evaluated: 2019-12-23. Review status: criteria provided, single submitter. Criteria: GeneDx Variant Classification Process June 2021. Collection method: clinical testing. Allele origin: germline. Affected: yes.
Comment: Not observed at a significant frequency in large population cohorts (Lek et al., 2016); In silico analysis, which includes protein predictors and evolutionary conservation, supports that this variant does not alter protein structure/function; Has not been previously published as pathogenic or benign to our knowledge

Literature cited by the submitters: PubMed 16799921 (cited by Victorian Clinical Genetics Services, Murdoch Childrens Research Institute); PubMed 22772368 (cited by Victorian Clinical Genetics Services, Murdoch Childrens Research Institute); PubMed 28679693 (cited by Victorian Clinical Genetics Services, Murdoch Childrens Research Institute).

NM_003242.6(TGFBR2):c.1681G>A (p.Gly561Ser)

Gene: TGFBR2 (transforming growth factor beta receptor 2; plus strand). Cytogenetic location: 3p24.1.
Variant type: single nucleotide variant.
Coding change: c.1681G>A on transcript NM_003242.6 (MANE Select); coding-DNA position 1681, G replaced by A.
Protein change: p.Gly561Ser; replaces glycine 561 with serine.
Molecular consequence: missense variant.
Genome position (GRCh38, 1-based): chr3:30,691,576, G>A. VCF-style: chr3-30691576-G-A. GRCh37 (hg19) VCF-style: chr3-30733068-G-A.
Other names: c.1756G>A, p.Gly586Ser (NM_001024847.3); c.1864G>A, p.Gly622Ser (NM_001407126.1); c.1789G>A, p.Gly597Ser (NM_001407127.1); c.1708G>A, p.Gly570Ser (NM_001407128.1); c.1684G>A, p.Gly562Ser (NM_001407129.1); c.1678G>A, p.Gly560Ser (NM_001407130.1); c.1576G>A, p.Gly526Ser (NM_001407132.1, NM_001407133.1, NM_001407134.1 and 2 more transcripts); c.1396G>A, p.Gly466Ser (NM_001407137.1); and 2 more; short protein forms G561S, G586S, G271S, G526S, G560S, G570S, G597S, G622S.
Identifiers: ClinVar variation 1310951 (VCV001310951.11), dbSNP rs768103695, ClinGen allele CA047334.